The following is an entry in ClinVar:

ClinVar aggregate classification (germline): Uncertain significance (1 of 4 stars; one submission).

Conditions:
Primary ciliary dyskinesia. Also called: Ciliary dyskinesia. Identifiers: Orphanet 244, MedGen C0008780, MONDO:0016575, HP:0012265.

Submission:

Labcorp Genetics (formerly Invitae), Labcorp
Classification: Uncertain significance for Primary ciliary dyskinesia. Last evaluated: 2022-03-11. Review status: criteria provided, single submitter. Criteria: Invitae Variant Classification Sherloc (09022015). Collection method: clinical testing. Allele origin: germline.
Comment: This sequence change replaces valine, which is neutral and non-polar, with alanine, which is neutral and non-polar, at codon 145 of the DNAH11 protein (p.Val145Ala). This variant is not present in population databases (gnomAD no frequency). This variant has not been reported in the literature in individuals affected with DNAH11-related conditions. Advanced modeling of protein sequence and biophysical properties (such as structural, functional, and spatial information, amino acid conservation, physicochemical variation, residue mobility, and thermodynamic stability) performed at Invitae indicates that this missense variant is not expected to disrupt DNAH11 protein function. In summary, the available evidence is currently insufficient to determine the role of this variant in disease. Therefore, it has been classified as a Variant of Uncertain Significance.

NM_001277115.2(DNAH11):c.434T>C (p.Val145Ala)

Gene: DNAH11 (dynein axonemal heavy chain 11; plus strand). Cytogenetic location: 7p15.3.
Variant type: single nucleotide variant.
Coding change: c.434T>C on transcript NM_001277115.2 (MANE Select); coding-DNA position 434, T replaced by C.
Protein change: p.Val145Ala; replaces valine 145 with alanine.
Molecular consequence: missense variant.
Genome position (GRCh38, 1-based): chr7:21,545,088, T>C. VCF-style: chr7-21545088-T-C. GRCh37 (hg19) VCF-style: chr7-21584706-T-C.
Other names: c.434T>C, p.Val145Ala (NM_003777.3); short protein forms V145A.
Identifiers: ClinVar variation 2109485 (VCV002109485.4), dbSNP rs1220806469, ClinGen allele CA366931877.
Genomic context (GRCh38, chr7:21,545,088, plus strand): 5'-AACTTGTTTTTATTTCCAAGAAGATTACTGAAAGCATTGGAGTAAATGACTTTTCTCAAG[T>C]GGTTTTATTTGGAGAGTTACCTGCGTTGTCTCTTGGACATGTATCTGCTTTCCTTGATGA-3'
Protein context (NP_001264044.1, residues 135-155): ESIGVNDFSQ[Val145Ala]VLFGELPALS